The following is an entry in ClinVar:

NM_014209.4(ETV2):c.757G>T (p.Asp253Tyr)

Gene: ETV2 (ETS variant transcription factor 2; plus strand). Cytogenetic location: 19q13.12.
Variant type: single nucleotide variant.
Coding change: c.757G>T on transcript NM_014209.4 (MANE Select); coding-DNA position 757, G replaced by T.
Protein change: p.Asp253Tyr; replaces aspartic acid 253 with tyrosine.
Molecular consequence: missense variant.
Genome position (GRCh38, 1-based): chr19:35,644,276, G>T. VCF-style: chr19-35644276-G-T. GRCh37 (hg19) VCF-style: chr19-36135178-G-T.
Other names: c.478G>T, p.Asp160Tyr (NM_001300974.2); c.196G>T, p.Asp66Tyr (NM_001304549.2); short protein forms D160Y, D253Y, D66Y.
Identifiers: ClinVar variation 1162783 (VCV001162783.2), dbSNP rs371833362, ClinGen allele CA9382992.

ClinVar aggregate classification (germline): Likely pathogenic (0 of 4 stars; one submission).

Conditions:
Hypoplastic left heart syndrome. Also called: Hypoplastic left ventricle; Hypoplastic left heart. Identifiers: Orphanet 2248, MedGen C0152101, MONDO:0004933, HP:0004383.
Abnormal heart morphology. Also called: Abnormality of cardiac morphology; Heart, malformation of. Identifiers: MedGen C0018798, MeSH D006330, HP:0001627.
Polydactyly. Also called: polydactylism. Identifiers: MedGen C0152427, MONDO:0021003, OMIM 603596, HP:0010442.
Abnormal vertebral morphology. Also called: vertebral anomalies. Identifiers: MedGen C1834129, HP:0003468.

Submission:

The Raphael Recanati Genetics Institute, Rabin Medical Center
Classification: Likely pathogenic for Abnormal heart morphology; Abnormal vertebral morphology; Hypoplastic left heart syndrome; Polydactyly. Review status: no assertion criteria provided. Collection method: clinical testing. Allele origin: germline. Inheritance: Autosomal recessive inheritance. Affected: yes. Observed: 4 variant alleles, 4 compound heterozygotes.
Comment: This variant, NM_014209.2:c.757G>T, was observed in compound heterozygosity with NM_014209.2:c.350del.

Literature cited by the submitters: PubMed 33359164.